The following is an entry in ClinVar:

ClinVar aggregate classification (germline): Uncertain significance (1 of 4 stars; one submission).

Conditions:
Hereditary cancer-predisposing syndrome. Also called: Neoplastic Syndromes, Hereditary; Tumor predisposition; Hereditary Cancer Syndrome; Hereditary neoplastic syndrome. Identifiers: Orphanet 140162, MedGen C0027672, MeSH D009386, MONDO:0015356.

Submission:

Ambry Genetics
Classification: Uncertain significance for Hereditary cancer-predisposing syndrome. Last evaluated: 2025-12-10. Review status: criteria provided, single submitter. Criteria: Ambry Variant Classification Scheme 2023. Collection method: clinical testing. Allele origin: germline.
Comment: The p.P267A variant (also known as c.799C>G), located in coding exon 6 of the FH gene, results from a C to G substitution at nucleotide position 799. The proline at codon 267 is replaced by alanine, an amino acid with highly similar properties. This variant was reported in an individual with paraganglioma (Ma X et al. Front Endocrinol (Lausanne), 2022 Jul;13:921645; Ma X et al. Front Endocrinol (Lausanne), 2020 Dec;11:574662). This amino acid position is highly conserved in available vertebrate species. In addition, this alteration is predicted to be deleterious by in silico analysis. Based on the available evidence, the clinical significance of this variant remains unclear.

Literature cited by the submitters: PubMed 33362715; PubMed 35966080.

NM_000143.4(FH):c.799C>G (p.Pro267Ala)

Gene: FH (fumarate hydratase; minus strand). Cytogenetic location: 1q43.
Variant type: single nucleotide variant.
Coding change: c.799C>G on transcript NM_000143.4 (MANE Select); coding-DNA position 799, C replaced by G.
Protein change: p.Pro267Ala; replaces proline 267 with alanine.
Molecular consequence: missense variant.
Genome position (GRCh38, 1-based): chr1:241,506,108, G>C on the plus strand (C>G on the coding strand, the complement: FH is on the minus strand). VCF-style: chr1-241506108-G-C. GRCh37 (hg19) VCF-style: chr1-241669408-G-C.
Other names: short protein forms P267A.
Identifiers: ClinVar variation 4642261 (VCV004642261.1).
Genomic context (GRCh38, chr1:241,506,108, plus strand): 5'-TTCTAGTATTTAAACCTGTACCAACAGCAGTGCCTCCAGCTGCGAGCTCATAGATTCTTG[G>C]CATGGCAGCTTTTATTCTTGTCATTGCATATTTTACTTGTTGAACATAACCACTAAATTC-3'
Protein context (NP_000134.2, residues 257-277): YAMTRIKAAM[Pro267Ala]RIYELAAGGT